The following is an entry in ClinVar:

NM_001171.6(ABCC6):c.3557C>A (p.Ala1186Asp)

Gene: ABCC6 (ATP binding cassette subfamily C member 6; minus strand). Cytogenetic location: 16p13.11.
Variant type: single nucleotide variant.
Coding change: c.3557C>A on transcript NM_001171.6 (MANE Select); coding-DNA position 3557, C replaced by A.
Protein change: p.Ala1186Asp; replaces alanine 1186 with aspartic acid.
Molecular consequence: missense variant. On other transcripts: non-coding transcript variant (1).
Genome position (GRCh38, 1-based): chr16:16,161,514, G>T on the plus strand (C>A on the coding strand, the complement: ABCC6 is on the minus strand). VCF-style: chr16-16161514-G-T. GRCh37 (hg19) VCF-style: chr16-16255371-G-T.
Other names: c.3215C>A, p.Ala1072Asp (NM_001351800.1); short protein forms A1186D, A1072D.
Identifiers: ClinVar variation 381796 (VCV000381796.5), dbSNP rs149460452, ClinGen allele CA7925531.

ClinVar aggregate classification (germline): Uncertain significance. Review status: criteria provided, multiple submitters, no conflicts (2 of 4 stars). 2 submissions from 2 submitters: Uncertain significance (2). Last evaluated 2025-04-28.

Allele frequency attached by ClinVar (database versions not stated): TOPMed 0.00005; gnomAD 0.00006; ESP Exome Variant Server 0.00015; ExAC 0.00003; gnomAD exomes 0.00004.
gnomAD v4.1: 69 of 1,613,868 alleles (0.0043%); highest among the groups gnomAD compares: Non-Finnish European, 0.0057%; no homozygotes.

Submissions (2):

Labcorp Genetics (formerly Invitae), Labcorp
Classification: Uncertain significance. Last evaluated: 2025-04-28. Review status: criteria provided, single submitter. Criteria: Invitae Variant Classification Sherloc (09022015). Collection method: clinical testing. Allele origin: germline.
Comment: This sequence change replaces alanine, which is neutral and non-polar, with aspartic acid, which is acidic and polar, at codon 1186 of the ABCC6 protein (p.Ala1186Asp). This variant is present in population databases (rs149460452, gnomAD 0.009%). This variant has not been reported in the literature in individuals affected with ABCC6-related conditions. ClinVar contains an entry for this variant (Variation ID: 381796). Invitae Evidence Modeling of protein sequence and biophysical properties (such as structural, functional, and spatial information, amino acid conservation, physicochemical variation, residue mobility, and thermodynamic stability) indicates that this missense variant is expected to disrupt ABCC6 protein function with a positive predictive value of 95%. In summary, the available evidence is currently insufficient to determine the role of this variant in disease. Therefore, it has been classified as a Variant of Uncertain Significance.

GeneDx
Classification: Uncertain significance. Last evaluated: 2015-12-03. Review status: criteria provided, single submitter. Criteria: GeneDx Variant Classification (06012015). Collection method: clinical testing. Allele origin: germline. Affected: yes.
Comment: The A1186D variant in the ABCC6 gene has not been reported previously as a pathogenic variant, nor as a benign variant, to our knowledge. The A1186D variant was not observed at any significant frequency in approximately 6500 individuals of European and African American ancestry in the NHLBI Exome Sequencing Project, indicating it is not a common benign variant in these populations. The A1186D variant is a non-conservative amino acid substitution, which is likely to impact secondary protein structure as these residues differ in polarity, charge, size and/or other properties. This substitution occurs at a position that is conserved across species. In silico analysis predicts this variant is probably damaging to the protein structure/function. We interpret A1186D as a variant of uncertain significance.